The following is an entry in ClinVar:

NM_017514.5(PLXNA3):c.49dup (p.Ala17fs)

Gene: PLXNA3 (plexin A3; plus strand). Cytogenetic location: Xq28.
Variant type: Duplication.
Coding change: c.49dup on transcript NM_017514.5 (MANE Select); coding-DNA position 49, one base duplicated (G; older notation c.49dupG).
Protein change: p.Ala17fs; shifts the reading frame from alanine 17.
Molecular consequence: frameshift variant.
Genome position (GRCh38, 1-based): chrX:154,460,232, G duplicated; the last of 8 consecutive G bases (chrX:154,460,225-154,460,232); duplicating any one gives the same sequence. VCF-style (leftmost placement, unchanged base first): chrX-154460224-T-TG. GRCh37 (hg19) VCF-style: chrX-153688564-T-TG.
Other names: c.49dupG (NM_017514.4); short protein forms A17fs.
Identifiers: ClinVar variation 3050066 (VCV003050066.3), dbSNP rs782247826, ClinGen allele CA10563575.

ClinVar aggregate classification (germline): Uncertain significance (1 of 4 stars; one submission).

Conditions:
PLXNA3-related disorder. Also called: PLXNA3-related condition.

Submission:

PreventionGenetics, part of Exact Sciences
Classification: Uncertain significance for PLXNA3-related condition. Last evaluated: 2025-10-22. Review status: criteria provided, single submitter. Criteria: ACMG Guidelines, 2015. Collection method: clinical testing. Allele origin: germline.
Comment: The PLXNA3 c.49dupG variant is predicted to result in a frameshift and premature protein termination (p.Ala17Glyfs*39). To our knowledge, this variant has not been reported in the literature. This variant is reported in 0.073% of alleles in individuals of African descent in gnomAD, including two hemizygote observations, which is likely too frequent to be a primary cause of disease. At this time, the clinical significance of this variant is uncertain due to the absence of conclusive functional and genetic evidence.